The following is an entry in ClinVar:

NM_206933.4(USH2A):c.3406A>G (p.Ser1136Gly)

Genes: USH2A (usherin; minus strand), USH2A-AS1 (USH2A antisense RNA 1; plus strand). Cytogenetic location: 1q41.
Variant type: single nucleotide variant.
Coding change: c.3406A>G on transcript NM_206933.4 (MANE Select); coding-DNA position 3406, A replaced by G.
Protein change: p.Ser1136Gly; replaces serine 1136 with glycine.
Molecular consequence: missense variant.
Genome position (GRCh38, 1-based): chr1:216,200,032, T>C on the plus strand (A>G on the coding strand, the complement: USH2A is on the minus strand). VCF-style: chr1-216200032-T-C. GRCh37 (hg19) VCF-style: chr1-216373374-T-C.
Other names: c.3406A>G, p.Ser1136Gly (NM_007123.6); short protein forms S1136G.
Identifiers: ClinVar variation 970060 (VCV000970060.10), dbSNP rs2034947671, ClinGen allele CA344868786.

ClinVar aggregate classification (germline): Likely pathogenic. Review status: criteria provided, multiple submitters, no conflicts (2 of 4 stars). 2 submissions from 2 submitters: Likely pathogenic (2). Last evaluated 2024-03-23.

Conditions:
Usher syndrome type 2A. Also called: RETINAL DISEASE IN USHER SYNDROME TYPE IIA, MODIFIER OF; USHER SYNDROME, TYPE IIA. Identifiers: Orphanet 231178, Orphanet 886, MedGen C1848634, MONDO:0010169, OMIM 276901.
Retinitis pigmentosa 39 (RP39). Identifiers: Orphanet 791, MedGen C3151138, MONDO:0013436, OMIM 613809.

Allele frequency attached by ClinVar (database versions not stated): gnomAD exomes below 0.00001.
gnomAD v4.1: 1 of 1,614,016 alleles (0.000062%); highest among the groups gnomAD compares: Admixed American, 0.0017%; no homozygotes.

Submissions (2):

Fulgent Genetics
Classification: Likely pathogenic for Usher syndrome type 2A; Retinitis pigmentosa 39. Last evaluated: 2024-03-23. Review status: criteria provided, single submitter. Criteria: ACMG Guidelines, 2015. Collection method: clinical testing. Allele origin: germline.

Labcorp Genetics (formerly Invitae), Labcorp
Classification: Likely pathogenic. Last evaluated: 2023-11-03. Review status: criteria provided, single submitter. Criteria: Invitae Variant Classification Sherloc (09022015). Collection method: clinical testing. Allele origin: germline.
Comment: This sequence change replaces serine, which is neutral and polar, with glycine, which is neutral and non-polar, at codon 1136 of the USH2A protein (p.Ser1136Gly). This variant is not present in population databases (gnomAD no frequency). This variant has not been reported in the literature in individuals affected with USH2A-related conditions. ClinVar contains an entry for this variant (Variation ID: 970060). Advanced modeling of protein sequence and biophysical properties (such as structural, functional, and spatial information, amino acid conservation, physicochemical variation, residue mobility, and thermodynamic stability) performed at Invitae indicates that this missense variant is expected to disrupt USH2A protein function with a positive predictive value of 95%. This variant disrupts the p.Ser1136 amino acid residue in USH2A. Other variant(s) that disrupt this residue have been determined to be pathogenic (PMID: 22135276, 25991456, 27460420, 27957503). This suggests that this residue is clinically significant, and that variants that disrupt this residue are likely to be disease-causing. In summary, the currently available evidence indicates that the variant is pathogenic, but additional data are needed to prove that conclusively. Therefore, this variant has been classified as Likely Pathogenic.

Literature cited by the submitters: PubMed 22135276 (cited by Labcorp Genetics (formerly Invitae), Labcorp); PubMed 25991456 (cited by Labcorp Genetics (formerly Invitae), Labcorp); PubMed 27460420 (cited by Labcorp Genetics (formerly Invitae), Labcorp); PubMed 27957503 (cited by Labcorp Genetics (formerly Invitae), Labcorp).